The following is an entry in ClinVar:

NM_198253.3(TERT):c.2108C>G (p.Pro703Arg)

Gene: TERT (telomerase reverse transcriptase; minus strand). Cytogenetic location: 5p15.33.
Variant type: single nucleotide variant.
Coding change: c.2108C>G on transcript NM_198253.3 (MANE Select); coding-DNA position 2108, C replaced by G.
Protein change: p.Pro703Arg; replaces proline 703 with arginine.
Molecular consequence: missense variant. On other transcripts: non-coding transcript variant (2).
Genome position (GRCh38, 1-based): chr5:1,279,313, G>C on the plus strand (C>G on the coding strand, the complement: TERT is on the minus strand). VCF-style: chr5-1279313-G-C. GRCh37 (hg19) VCF-style: chr5-1279428-G-C.
Other names: c.2108C>G, p.Pro703Arg (NM_001193376.3); short protein forms P703R.
Identifiers: ClinVar variation 4865493 (VCV004865493.1).

ClinVar aggregate classification (germline): Uncertain significance (1 of 4 stars; one submission).

Conditions:
Dyskeratosis congenita. Identifiers: Orphanet 1775, MedGen C0265965, MONDO:0015780.

Submission:

Ambry Genetics
Classification: Uncertain significance for Dyskeratosis congenita. Last evaluated: 2026-06-13. Review status: criteria provided, single submitter. Criteria: Ambry Variant Classification Scheme 2023. Collection method: clinical testing. Allele origin: germline.
Comment: The p.P703R variant (also known as c.2108C>G), located in coding exon 5 of the TERT gene, results from a C to G substitution at nucleotide position 2108. The proline at codon 703 is replaced by arginine, an amino acid with dissimilar properties. This amino acid position is conserved. In addition, this alteration is predicted to be tolerated by in silico analysis. Based on the available evidence, the clinical significance of this variant remains unclear.